The following is an entry in ClinVar:

ClinVar aggregate classification (germline): Conflicting classifications of pathogenicity. Review status: criteria provided, conflicting classifications (1 of 4 stars). 5 submissions from 5 submitters: Uncertain significance (3); Benign (1); Likely benign (1). Last evaluated 2026-05-06.

Conditions:
Inborn genetic diseases. Identifiers: MedGen C0950123, MeSH D030342.

Allele frequency attached by ClinVar (database versions not stated): TOPMed 0.00001; ExAC 0.00002; gnomAD 0.00003 and 0.00004; gnomAD exomes 0.00004.
gnomAD v4.1: 57 of 1,608,406 alleles (0.0035%); highest among the groups gnomAD compares: Non-Finnish European, 0.0046%; no homozygotes.

Submissions (5):

Ambry Genetics
Classification: Uncertain significance for Inborn genetic diseases. Last evaluated: 2026-05-06. Review status: criteria provided, single submitter. Criteria: Ambry Variant Classification Scheme 2023. Collection method: clinical testing. Allele origin: germline.

GeneDx
Classification: Uncertain significance. Last evaluated: 2025-07-03. Review status: criteria provided, single submitter. Criteria: GeneDx Variant Classification Process June 2021. Collection method: clinical testing. Allele origin: germline. Affected: yes.
Comment: In silico analysis supports that this missense variant has a deleterious effect on protein structure/function; In silico analysis suggests this variant may impact gene splicing. In the absence of RNA/functional studies, the actual effect of this sequence change is unknown.; Has not been previously published as pathogenic or benign to our knowledge

Labcorp Genetics (formerly Invitae), Labcorp
Classification: Likely benign. Last evaluated: 2025-06-20. Review status: criteria provided, single submitter. Criteria: Invitae Variant Classification Sherloc (09022015). Collection method: clinical testing. Allele origin: germline.

Blueprint Genetics
Classification: Benign. Last evaluated: 2024-11-25. Review status: criteria provided, single submitter. Criteria: ACMG Guidelines, 2015. Collection method: clinical testing. Allele origin: germline.

CeGaT Center for Human Genetics Tuebingen
Classification: Uncertain significance. Last evaluated: 2023-01-01. Review status: criteria provided, single submitter. Criteria: CeGaT Center For Human Genetics Tuebingen Variant Classification Criteria Version 2. Collection method: clinical testing. Allele origin: germline. Affected: yes. Observed: 1 variant allele.

NM_001854.4(COL11A1):c.2389G>A (p.Asp797Asn)

Gene: COL11A1 (collagen type XI alpha 1 chain; minus strand). Cytogenetic location: 1p21.1.
Variant type: single nucleotide variant.
Coding change: c.2389G>A on transcript NM_001854.4 (MANE Select); coding-DNA position 2389, G replaced by A.
Protein change: p.Asp797Asn; replaces aspartic acid 797 with asparagine.
Molecular consequence: missense variant. On other transcripts: non-coding transcript variant (1).
Genome position (GRCh38, 1-based): chr1:102,989,523, C>T on the plus strand (G>A on the coding strand, the complement: COL11A1 is on the minus strand). VCF-style: chr1-102989523-C-T. GRCh37 (hg19) VCF-style: chr1-103455079-C-T.
Other names: c.2272G>A, p.Asp758Asn (NM_001190709.2); c.2425G>A, p.Asp809Asn (NM_080629.3); c.2041G>A, p.Asp681Asn (NM_080630.4); c.2389G>A (NM_001854.3); short protein forms D681N, D809N, D758N, D797N.
Identifiers: ClinVar variation 1414980 (VCV001414980.35), dbSNP rs762668220, ClinGen allele CA974457.